The following is an entry in ClinVar:

ClinVar aggregate classification (germline): Uncertain significance (1 of 4 stars; one submission).

Conditions:
Inborn genetic diseases. Identifiers: MedGen C0950123, MeSH D030342.

Submission:

Ambry Genetics
Classification: Uncertain significance for Inborn genetic diseases. Last evaluated: 2022-03-01. Review status: criteria provided, single submitter. Criteria: Ambry Variant Classification Scheme 2023. Collection method: clinical testing. Allele origin: germline.
Comment: The p.K668M variant (also known as c.2003A>T), located in coding exon 15 of the BUB1B gene, results from an A to T substitution at nucleotide position 2003. The lysine at codon 668 is replaced by methionine, an amino acid with similar properties. This amino acid position is conserved. In addition, this alteration is predicted to be tolerated by in silico analysis. Since supporting evidence is limited at this time, the clinical significance of this alteration remains unclear.

NM_001211.6(BUB1B):c.2003A>T (p.Lys668Met)

Gene: BUB1B (BUB1 mitotic checkpoint serine/threonine kinase B; plus strand). Cytogenetic location: 15q15.1.
Variant type: single nucleotide variant.
Coding change: c.2003A>T on transcript NM_001211.6 (MANE Select); coding-DNA position 2003, A replaced by T.
Protein change: p.Lys668Met; replaces lysine 668 with methionine.
Molecular consequence: missense variant.
Genome position (GRCh38, 1-based): chr15:40,206,452, A>T. VCF-style: chr15-40206452-A-T. GRCh37 (hg19) VCF-style: chr15-40498653-A-T.
Other names: short protein forms K668M.
Identifiers: ClinVar variation 1784277 (VCV001784277.2), dbSNP rs773512389, ClinGen allele CA391692952.